The following is an entry in ClinVar:

ClinVar aggregate classification (germline): Benign/Likely benign. Review status: criteria provided, multiple submitters, no conflicts (2 of 4 stars). 5 submissions from 5 submitters: Benign (2); Likely benign (2). 1 of the submissions does not count toward it. Last evaluated 2026-01-27.

Conditions:
Kabuki syndrome. Also called: NIIKAWA-KUROKI SYNDROME; Kabuki make-up syndrome. Identifiers: Orphanet 2322, MedGen C0796004, MONDO:0016512.
KMT2D-related disorder. Also called: KMT2D-Related Disorders.

Allele frequency attached by ClinVar (database versions not stated): TOPMed 0.00007; gnomAD exomes 0.00018 and 0.00033; gnomAD 0.00025 and 0.00028; ExAC 0.00028.
gnomAD v4.1: 294 of 1,613,732 alleles (0.018%); highest among the groups gnomAD compares: Non-Finnish European, 0.007%; no homozygotes.

Submissions (5):

Labcorp Genetics (formerly Invitae), Labcorp
Classification: Benign for Kabuki syndrome. Last evaluated: 2026-01-27. Review status: criteria provided, single submitter. Criteria: Invitae Variant Classification Sherloc (09022015). Collection method: clinical testing. Allele origin: germline.

Laboratory of Genetics, Children's Clinical University Hospital Latvia
Classification: Likely benign. Last evaluated: 2025-02-16. Review status: criteria provided, single submitter. Criteria: ACMG Guidelines, 2015. Collection method: clinical testing. Allele origin: germline. Affected: yes.

Blueprint Genetics
Classification: Likely benign. Last evaluated: 2024-10-30. Review status: criteria provided, single submitter. Criteria: ACMG Guidelines, 2015. Collection method: clinical testing. Allele origin: germline.

GeneDx
Classification: Benign. Last evaluated: 2020-02-06. Review status: criteria provided, single submitter. Criteria: GeneDx Variant Classification Process June 2021. Collection method: clinical testing. Allele origin: germline. Affected: yes.
Comment: This variant is associated with the following publications: (PMID: 26032282)

PreventionGenetics, part of Exact Sciences
Classification: Likely benign for KMT2D-related condition. Last evaluated: 2020-11-13. Review status: no assertion criteria provided. Collection method: clinical testing. Allele origin: germline. Not counted in ClinVar's aggregate classification.
Comment: This variant is classified as likely benign based on ACMG/AMP sequence variant interpretation guidelines (Richards et al. 2015 PMID: 25741868, with internal and published modifications).

NM_003482.4(KMT2D):c.7607T>C (p.Phe2536Ser)

Gene: KMT2D (lysine methyltransferase 2D; minus strand). Cytogenetic location: 12q13.12.
Variant type: single nucleotide variant.
Coding change: c.7607T>C on transcript NM_003482.4 (MANE Select); coding-DNA position 7607, T replaced by C.
Protein change: p.Phe2536Ser; replaces phenylalanine 2536 with serine.
Molecular consequence: missense variant.
Genome position (GRCh38, 1-based): chr12:49,040,163, A>G on the plus strand (T>C on the coding strand, the complement: KMT2D is on the minus strand). VCF-style: chr12-49040163-A-G. GRCh37 (hg19) VCF-style: chr12-49433946-A-G.
Other names: short protein forms F2536S.
Identifiers: ClinVar variation 309045 (VCV000309045.16), dbSNP rs199628497, ClinGen allele CA6547027.